The following is an entry in ClinVar:

NM_006206.6(PDGFRA):c.1537G>C (p.Glu513Gln)

Gene: PDGFRA (platelet derived growth factor receptor alpha; plus strand). Cytogenetic location: 4q12.
Variant type: single nucleotide variant.
Coding change: c.1537G>C on transcript NM_006206.6 (MANE Select); coding-DNA position 1537, G replaced by C.
Protein change: p.Glu513Gln; replaces glutamic acid 513 with glutamine.
Molecular consequence: missense variant.
Genome position (GRCh38, 1-based): chr4:54,273,709, G>C. VCF-style: chr4-54273709-G-C. GRCh37 (hg19) VCF-style: chr4-55139876-G-C.
Other names: c.1537G>C, p.Glu513Gln (NM_001347827.2, NM_001347829.2); c.1612G>C, p.Glu538Gln (NM_001347828.2); c.1576G>C, p.Glu526Gln (NM_001347830.2); short protein forms E526Q, E513Q, E538Q.
Identifiers: ClinVar variation 3649062 (VCV003649062.3).

ClinVar aggregate classification (germline): Uncertain significance. Review status: criteria provided, multiple submitters, no conflicts (2 of 4 stars). 2 submissions from 2 submitters: Uncertain significance (2). Last evaluated 2026-05-19.

Conditions:
Hereditary cancer-predisposing syndrome. Also called: Neoplastic Syndromes, Hereditary; Tumor predisposition; Hereditary Cancer Syndrome; Hereditary neoplastic syndrome. Identifiers: Orphanet 140162, MedGen C0027672, MeSH D009386, MONDO:0015356.
Gastrointestinal stromal tumor. Also called: Gastrointestinal stromal tumor, somatic; Gastrointestinal stroma tumor. Identifiers: Orphanet 44890, MedGen C0238198, MeSH D046152, MONDO:0011719, OMIM 606764, HP:0100723.

Submissions (2):

Ambry Genetics
Classification: Uncertain significance for Hereditary cancer-predisposing syndrome. Last evaluated: 2026-05-19. Review status: criteria provided, single submitter. Criteria: Ambry Variant Classification Scheme 2023. Collection method: clinical testing. Allele origin: germline.
Comment: The p.E513Q variant (also known as c.1537G>C), located in coding exon 9 of the PDGFRA gene, results from a G to C substitution at nucleotide position 1537. The glutamic acid at codon 513 is replaced by glutamine, an amino acid with highly similar properties. This amino acid position is conserved. In addition, the in silico prediction for this alteration is inconclusive. Based on the available evidence, the clinical significance of this variant remains unclear.

Labcorp Genetics (formerly Invitae), Labcorp
Classification: Uncertain significance for Gastrointestinal stromal tumor. Last evaluated: 2024-04-07. Review status: criteria provided, single submitter. Criteria: Invitae Variant Classification Sherloc (09022015). Collection method: clinical testing. Allele origin: germline.
Comment: This sequence change replaces glutamic acid, which is acidic and polar, with glutamine, which is neutral and polar, at codon 513 of the PDGFRA protein (p.Glu513Gln). This variant is not present in population databases (gnomAD no frequency). This variant has not been reported in the literature in individuals affected with PDGFRA-related conditions. Advanced modeling of protein sequence and biophysical properties (such as structural, functional, and spatial information, amino acid conservation, physicochemical variation, residue mobility, and thermodynamic stability) performed at Invitae indicates that this missense variant is not expected to disrupt PDGFRA protein function with a negative predictive value of 80%. In summary, the available evidence is currently insufficient to determine the role of this variant in disease. Therefore, it has been classified as a Variant of Uncertain Significance.